The following is an entry in ClinVar:

NM_005908.4(MANBA):c.273-3del

Gene: MANBA (mannosidase beta; minus strand). Cytogenetic location: 4q24.
Variant type: Deletion.
Coding change: c.273-3del on transcript NM_005908.4 (MANE Select); 3 bases into the intron before coding-DNA position 273, one base deleted (T; older notation c.273-3delT).
Molecular consequence: intron variant.
Genome position (GRCh38, 1-based): chr4:102,723,970, A deleted on the plus strand (T on the coding strand, the reverse complement: MANBA is on the minus strand); the first of 8 consecutive A bases (chr4:102,723,970-102,723,977); deleting any one gives the same sequence. VCF-style (leftmost placement, unchanged base first): chr4-102723969-TA-T. GRCh37 (hg19) VCF-style: chr4-103645126-TA-T.
Other names: NC_000004.11:g.103645134del; c.273-10del (NM_005908.4).
Identifiers: ClinVar variation 2067694 (VCV002067694.7), dbSNP rs758862876, ClinGen allele CA3027274.
Genomic context (GRCh38, chr4:102,723,969, plus strand): 5'-ACAGGATTTTTGAAACCGTATCCACTCCCTCAAGAATCAAATTTACTTTTTGCCATTTGC[TA>T]AAAAAAAGAAAAGATTTTTAAAACAAGATGTGTAAAGCATTAACTTAGATAAGTCTCTTT-3'

ClinVar aggregate classification (germline): Benign/Likely benign. Review status: criteria provided, multiple submitters, no conflicts (2 of 4 stars). 3 submissions from 3 submitters: Benign (1); Likely benign (1). 1 of the submissions does not count toward it. Last evaluated 2026-01-24.

Conditions:
MANBA-related disorder. Also called: MANBA-related condition.
Beta-D-mannosidosis (MANSB). Also called: BETA-MANNOSIDASE DEFICIENCY; MANNOSIDOSIS, BETA A, LYSOSOMAL; LYSOSOMAL BETA-MANNOSIDASE DEFICIENCY; Beta-Mannosidosis. Identifiers: Orphanet 118, MedGen C4048196, MONDO:0009562, OMIM 248510.

Submissions (4):

Labcorp Genetics (formerly Invitae), Labcorp
Classification: Benign for Beta-D-mannosidosis. Last evaluated: 2026-01-24. Review status: criteria provided, single submitter. Criteria: Invitae Variant Classification Sherloc (09022015). Collection method: clinical testing. Allele origin: germline.

Blueprint Genetics
Classification: Likely benign. Last evaluated: 2023-08-18. Review status: criteria provided, single submitter. Criteria: ACMG Guidelines, 2015. Collection method: clinical testing. Allele origin: germline.

PreventionGenetics, part of Exact Sciences
Classification: Likely benign for MANBA-related condition. Last evaluated: 2021-03-08. Review status: no assertion criteria provided. Collection method: clinical testing. Allele origin: germline. Not counted in ClinVar's aggregate classification.
Comment: This variant is classified as likely benign based on ACMG/AMP sequence variant interpretation guidelines (Richards et al. 2015 PMID: 25741868, with internal and published modifications).

Dr. Peter K. Rogan Lab, Western University
No classification provided (evidence only). Condition: Hepatocellular carcinoma. Review status: no classification provided. Collection method: in vitro. Allele origin: not applicable. Functional consequence: retained intron. Not counted in ClinVar's aggregate classification.